The following is an entry in ClinVar:

ClinVar aggregate classification (germline): Likely benign (1 of 4 stars; one submission).

Conditions:
PTPN14-related disorder. Also called: PTPN14-related condition.

gnomAD v4.1: 523 of 1,614,084 alleles (0.032%); highest among the groups gnomAD compares: South Asian, 0.23%; 4 homozygotes.

Submission:

PreventionGenetics, part of Exact Sciences
Classification: Likely benign for PTPN14-related condition. Last evaluated: 2025-07-29. Review status: criteria provided, single submitter. Criteria: ACMG Guidelines, 2015. Collection method: clinical testing. Allele origin: germline.
Comment: This variant is classified as likely benign based on ACMG/AMP sequence variant interpretation guidelines (Richards et al. 2015 PMID: 25741868, with internal and published modifications).

NM_005401.5(PTPN14):c.3337C>T (p.Arg1113Trp)

Gene: PTPN14 (protein tyrosine phosphatase non-receptor type 14; minus strand). Cytogenetic location: 1q32.3.
Variant type: single nucleotide variant.
Coding change: c.3337C>T on transcript NM_005401.5 (MANE Select); coding-DNA position 3337, C replaced by T.
Protein change: p.Arg1113Trp; replaces arginine 1113 with tryptophan.
Molecular consequence: missense variant.
Genome position (GRCh38, 1-based): chr1:214,364,610, G>A on the plus strand (C>T on the coding strand, the complement: PTPN14 is on the minus strand). VCF-style: chr1-214364610-G-A. GRCh37 (hg19) VCF-style: chr1-214537953-G-A.
Other names: short protein forms R1113W.
Identifiers: ClinVar variation 4986269 (VCV004986269.1).